The following is an entry in ClinVar:

ClinVar aggregate classification (germline): Pathogenic (1 of 4 stars; one submission).

Submission:

GeneDx
Classification: Pathogenic. Last evaluated: 2022-08-22. Review status: criteria provided, single submitter. Criteria: GeneDx Variant Classification Process June 2021. Collection method: clinical testing. Allele origin: germline. Affected: yes.
Comment: Canonical splice site variant expected to result in aberrant splicing, although in the absence of functional evidence the actual effect of this sequence change is unknown.; Not observed at significant frequency in large population cohorts (gnomAD); Has not been previously published as pathogenic or benign to our knowledge

NM_005629.4(SLC6A8):c.1255-2A>G

Gene: SLC6A8 (solute carrier family 6 member 8; plus strand). Cytogenetic location: Xq28.
Variant type: single nucleotide variant.
Coding change: c.1255-2A>G on transcript NM_005629.4 (MANE Select); the canonical splice acceptor site of the intron before coding-DNA position 1255, A replaced by G.
Molecular consequence: splice acceptor variant.
Genome position (GRCh38, 1-based): chrX:153,694,128, A>G. VCF-style: chrX-153694128-A-G. GRCh37 (hg19) VCF-style: chrX-152959583-A-G.
Other names: c.1225-2A>G (NM_001142805.2); c.910-2A>G (NM_001142806.1).
Identifiers: ClinVar variation 280878 (VCV000280878.4), dbSNP rs886042005, ClinGen allele CA10603707.